The following is an entry in ClinVar:

NM_001013838.3(CARMIL2):c.774G>T (p.Arg258Ser)

Gene: CARMIL2 (capping protein regulator and myosin 1 linker 2; plus strand). Cytogenetic location: 16q22.1.
Variant type: single nucleotide variant.
Coding change: c.774G>T on transcript NM_001013838.3 (MANE Select); coding-DNA position 774, G replaced by T.
Protein change: p.Arg258Ser; replaces arginine 258 with serine.
Molecular consequence: missense variant.
Genome position (GRCh38, 1-based): chr16:67,647,385, G>T. VCF-style: chr16-67647385-G-T. GRCh37 (hg19) VCF-style: chr16-67681288-G-T.
Other names: c.774G>T, p.Arg258Ser (NM_001317026.3); short protein forms R258S.
Identifiers: ClinVar variation 1174744 (VCV001174744.8), dbSNP rs376838356, ClinGen allele CA8113203.

ClinVar aggregate classification (germline): Uncertain significance. Review status: criteria provided, multiple submitters, no conflicts (2 of 4 stars). 4 submissions from 4 submitters: Uncertain significance (2). 2 of the submissions do not count toward it. Last evaluated 2024-09-14.

Allele frequency attached by ClinVar (database versions not stated): ExAC 0.00008; ESP Exome Variant Server 0.00008.
gnomAD v4.1: 155 of 1,574,902 alleles (0.0098%); highest among the groups gnomAD compares: Non-Finnish European, 0.013%; no homozygotes.

Submissions (4):

Blueprint Genetics
Classification: Uncertain significance. Last evaluated: 2024-09-14. Review status: criteria provided, single submitter. Criteria: ACMG Guidelines, 2015. Collection method: clinical testing. Allele origin: germline.

Labcorp Genetics (formerly Invitae), Labcorp
Classification: Uncertain significance. Last evaluated: 2022-03-11. Review status: criteria provided, single submitter. Criteria: Invitae Variant Classification Sherloc (09022015). Collection method: clinical testing. Allele origin: germline.
Comment: This sequence change replaces arginine, which is basic and polar, with serine, which is neutral and polar, at codon 258 of the CARMIL2 protein (p.Arg258Ser). This variant is present in population databases (rs376838356, gnomAD 0.01%). This variant has not been reported in the literature in individuals affected with CARMIL2-related conditions. ClinVar contains an entry for this variant (Variation ID: 1174744). Algorithms developed to predict the effect of missense changes on protein structure and function (SIFT, PolyPhen-2, Align-GVGD) all suggest that this variant is likely to be tolerated. Algorithms developed to predict the effect of sequence changes on RNA splicing suggest that this variant may create or strengthen a splice site. In summary, the available evidence is currently insufficient to determine the role of this variant in disease. Therefore, it has been classified as a Variant of Uncertain Significance.

Clinical Genetics DNA and cytogenetics Diagnostics Lab, Erasmus MC, Erasmus Medical Center
Classification: Uncertain significance. Review status: no assertion criteria provided. Collection method: clinical testing. Allele origin: germline. Affected: yes. Study: VKGL Data-share Consensus. Not counted in ClinVar's aggregate classification.

Diagnostic Laboratory, Department of Genetics, University Medical Center Groningen
Classification: Uncertain significance. Review status: no assertion criteria provided. Collection method: clinical testing. Allele origin: germline. Affected: yes. Study: VKGL Data-share Consensus. Not counted in ClinVar's aggregate classification.